The following is an entry in ClinVar:

ClinVar aggregate classification (germline): Uncertain significance. Review status: criteria provided, multiple submitters, no conflicts (2 of 4 stars). 3 submissions from 3 submitters: Uncertain significance (3). Last evaluated 2024-12-15.

Conditions:
Van Maldergem syndrome 2 (VMLDS2). Identifiers: Orphanet 314679, MedGen C3809875, MONDO:0014242, OMIM 615546.
Hennekam lymphangiectasia-lymphedema syndrome 2 (HKLLS2). Identifiers: Orphanet 2136, MedGen C4014939, MONDO:0014454, OMIM 616006.

Allele frequency attached by ClinVar (database versions not stated): ExAC 0.00003; TOPMed 0.00003; gnomAD exomes 0.00004.
gnomAD v4.1: 12 of 1,613,860 alleles (0.00074%); highest among the groups gnomAD compares: Admixed American, 0.015%; no homozygotes.

Submissions (3):

Labcorp Genetics (formerly Invitae), Labcorp
Classification: Uncertain significance. Last evaluated: 2024-12-15. Review status: criteria provided, single submitter. Criteria: Invitae Variant Classification Sherloc (09022015). Collection method: clinical testing. Allele origin: germline.
Comment: This sequence change replaces glycine, which is neutral and non-polar, with aspartic acid, which is acidic and polar, at codon 1998 of the FAT4 protein (p.Gly1998Asp). This variant is present in population databases (rs753912480, gnomAD 0.02%). This variant has not been reported in the literature in individuals affected with FAT4-related conditions. ClinVar contains an entry for this variant (Variation ID: 1414359). Invitae Evidence Modeling of protein sequence and biophysical properties (such as structural, functional, and spatial information, amino acid conservation, physicochemical variation, residue mobility, and thermodynamic stability) has been performed for this missense variant. However, the output from this modeling did not meet the statistical confidence thresholds required to predict the impact of this variant on FAT4 protein function. In summary, the available evidence is currently insufficient to determine the role of this variant in disease. Therefore, it has been classified as a Variant of Uncertain Significance.

Fulgent Genetics
Classification: Uncertain significance for Van Maldergem syndrome 2; Hennekam lymphangiectasia-lymphedema syndrome 2. Last evaluated: 2024-02-29. Review status: criteria provided, single submitter. Criteria: ACMG Guidelines, 2015. Collection method: clinical testing. Allele origin: germline.

Breakthrough Genomics
Classification: Uncertain significance. Review status: criteria provided, single submitter. Criteria: ACMG Guidelines, 2015. Collection method: not provided. Allele origin: germline. Inheritance: Autosomal recessive inheritance. Affected: yes.

NM_001291303.3(FAT4):c.5993G>A (p.Gly1998Asp)

Gene: FAT4 (FAT atypical cadherin 4; plus strand). Cytogenetic location: 4q28.1.
Variant type: single nucleotide variant.
Coding change: c.5993G>A on transcript NM_001291303.3 (MANE Select); coding-DNA position 5993, G replaced by A.
Protein change: p.Gly1998Asp; replaces glycine 1998 with aspartic acid.
Molecular consequence: missense variant.
Genome position (GRCh38, 1-based): chr4:125,414,956, G>A. VCF-style: chr4-125414956-G-A. GRCh37 (hg19) VCF-style: chr4-126336111-G-A.
Other names: c.5993G>A, p.Gly1998Asp (NM_001291285.3, NM_024582.6); c.5993G>A (NM_024582.5); short protein forms G1998D.
Identifiers: ClinVar variation 1414359 (VCV001414359.8), dbSNP rs753912480, ClinGen allele CA3072852.